The following is an entry in ClinVar:

NM_000254.3(MTR):c.-173G>T

Genes: MTR (5-methyltetrahydrofolate-homocysteine methyltransferase; plus strand), LOC129932885 (ATAC-STARR-seq lymphoblastoid active region 2826; plus strand). Cytogenetic location: 1q43.
Variant type: single nucleotide variant.
Coding change: c.-173G>T on transcript NM_000254.3 (MANE Select); 173 bases upstream of the start codon, G replaced by T.
Molecular consequence: 5 prime UTR variant.
Genome position (GRCh38, 1-based): chr1:236,795,531, G>T. VCF-style: chr1-236795531-G-T. GRCh37 (hg19) VCF-style: chr1-236958831-G-T.
Other names: c.-173G>T (NM_001291939.1); c.-1281G>T (NM_001291940.2).
Identifiers: ClinVar variation 296540 (VCV000296540.5), dbSNP rs3738548, ClinGen allele CA1473544.

ClinVar aggregate classification (germline): Likely benign (1 of 4 stars; one submission).

Conditions:
Disorders of Intracellular Cobalamin Metabolism. Identifiers: MedGen CN043592.

Allele frequency attached by ClinVar (database versions not stated): TOPMed 0.00008; 1000 Genomes Project 0.00060; 1000 Genomes Project 30x 0.00062.
gnomAD v4.1: 718 of 1,530,536 alleles (0.047%); highest among the groups gnomAD compares: South Asian, 0.71%; 7 homozygotes.

Submission:

Illumina Laboratory Services, Illumina
Classification: Likely benign for Disorders of Intracellular Cobalamin Metabolism. Last evaluated: 2018-01-12. Review status: criteria provided, single submitter. Criteria: ICSL Variant Classification Criteria 13 December 2019. Collection method: clinical testing. Allele origin: germline.
Comment: This variant was observed in the ICSL laboratory as part of a predisposition screen in an ostensibly healthy population. It had not been previously curated by ICSL or reported in the Human Gene Mutation Database (HGMD: prior to June 1st, 2018), and was therefore a candidate for classification through an automated scoring system. Utilizing variant allele frequency, disease prevalence and penetrance estimates, and inheritance mode, an automated score was calculated to assess if this variant is too frequent to cause the disease. Based on the score and internal cut-off values, a variant classified as likely benign is not then subjected to further curation. The score for this variant resulted in a classification of likely benign for this disease.